The following is an entry in ClinVar:

NM_004369.4(COL6A3):c.8063C>T (p.Ser2688Phe)

Gene: COL6A3 (collagen type VI alpha 3 chain; minus strand). Cytogenetic location: 2q37.3.
Variant type: single nucleotide variant.
Coding change: c.8063C>T on transcript NM_004369.4 (MANE Select); coding-DNA position 8063, C replaced by T.
Protein change: p.Ser2688Phe; replaces serine 2688 with phenylalanine.
Molecular consequence: missense variant.
Genome position (GRCh38, 1-based): chr2:237,340,853, G>A on the plus strand (C>T on the coding strand, the complement: COL6A3 is on the minus strand). VCF-style: chr2-237340853-G-A. GRCh37 (hg19) VCF-style: chr2-238249496-G-A.
Other names: c.6242C>T, p.Ser2081Phe (NM_057166.5); c.7445C>T, p.Ser2482Phe (NM_057167.4); short protein forms S2081F, S2482F, S2688F.
Identifiers: ClinVar variation 2440484 (VCV002440484.6), dbSNP rs2469805101, ClinGen allele CA351196689.

ClinVar aggregate classification (germline): Uncertain significance. Review status: criteria provided, multiple submitters, no conflicts (2 of 4 stars). 2 submissions from 2 submitters: Uncertain significance (2). Last evaluated 2023-10-22.

Conditions:
Bethlem myopathy 1A. Also called: MYOPATHY, BENIGN CONGENITAL, WITH CONTRACTURES; Bethlem myopathy 1; Bethlem Muscular Dystrophy. Identifiers: Orphanet 610, MedGen CN029274, MONDO:0024530, OMIM 158810.

Submissions (2):

Labcorp Genetics (formerly Invitae), Labcorp
Classification: Uncertain significance for Bethlem myopathy 1A. Last evaluated: 2023-10-22. Review status: criteria provided, single submitter. Criteria: Invitae Variant Classification Sherloc (09022015). Collection method: clinical testing. Allele origin: germline.
Comment: This sequence change replaces serine, which is neutral and polar, with phenylalanine, which is neutral and non-polar, at codon 2688 of the COL6A3 protein (p.Ser2688Phe). This variant is not present in population databases (gnomAD no frequency). This variant has not been reported in the literature in individuals affected with COL6A3-related conditions. ClinVar contains an entry for this variant (Variation ID: 2440484). Advanced modeling of protein sequence and biophysical properties (such as structural, functional, and spatial information, amino acid conservation, physicochemical variation, residue mobility, and thermodynamic stability) performed at Invitae indicates that this missense variant is expected to disrupt COL6A3 protein function. In summary, the available evidence is currently insufficient to determine the role of this variant in disease. Therefore, it has been classified as a Variant of Uncertain Significance.

Revvity Omics, Revvity
Classification: Uncertain significance. Last evaluated: 2020-01-03. Review status: criteria provided, single submitter. Criteria: ACMG Guidelines, 2015. Collection method: clinical testing. Allele origin: germline.